The following is an entry in ClinVar:

ClinVar aggregate classification (germline): Uncertain significance (1 of 4 stars; one submission).

Conditions:
Microcephaly-intellectual disability-sensorineural hearing loss-epilepsy-abnormal muscle tone syndrome (NEDHSB). Also called: NEURODEVELOPMENTAL DISORDER WITH HEARING LOSS, SEIZURES, AND BRAIN ABNORMALITIES. Identifiers: Orphanet 457351, MedGen C4225276, MONDO:0014698, OMIM 616577.

gnomAD v4.1: 1 of 1,613,970 alleles (0.000062%); highest among the groups gnomAD compares: African/African-American, 0.0013%; no homozygotes.

Submission:

Juno Genomics, Hangzhou Juno Genomics, Inc
Classification: Uncertain significance for Microcephaly-intellectual disability-sensorineural hearing loss-epilepsy-abnormal muscle tone syndrome. Review status: criteria provided, single submitter. Criteria: ACMG Guidelines, 2015. Collection method: clinical testing. Allele origin: germline.
Comment: Absent from controls (or at extremely low frequency if recessive) in Genome Aggregation Database.;Multiple lines of computational evidence support a deleterious effect on the gene or gene product.

NM_145207.3(AFG2A):c.1891G>A (p.Gly631Arg)

Gene: AFG2A (AAA ATPase AFG2A; plus strand). Cytogenetic location: 4q28.1.
Variant type: single nucleotide variant.
Coding change: c.1891G>A on transcript NM_145207.3 (MANE Select); coding-DNA position 1891, G replaced by A.
Protein change: p.Gly631Arg; replaces glycine 631 with arginine.
Molecular consequence: missense variant.
Genome position (GRCh38, 1-based): chr4:123,028,207, G>A. VCF-style: chr4-123028207-G-A. GRCh37 (hg19) VCF-style: chr4-123949362-G-A.
Other names: c.1888G>A, p.Gly630Arg (NM_001345856.2, NM_001317799.2); c.1960G>A, p.Gly654Arg (NM_001437913.1); c.1963G>A, p.Gly655Arg (NM_001438322.1); short protein forms G631R, G654R, G655R, G630R.
Identifiers: ClinVar variation 5006727 (VCV005006727.2).